The following is an entry in ClinVar:

ClinVar aggregate classification (germline): Uncertain significance (1 of 4 stars; one submission).

Allele frequency attached by ClinVar (database versions not stated): ExAC 0.00001; gnomAD exomes 0.00001; gnomAD 0.00002; TOPMed 0.00003.
gnomAD v4.1: 9 of 1,613,578 alleles (0.00056%); highest among the groups gnomAD compares: African/African-American, 0.008%; no homozygotes.

Submission:

Labcorp Genetics (formerly Invitae), Labcorp
Classification: Uncertain significance. Last evaluated: 2023-02-27. Review status: criteria provided, single submitter. Criteria: Invitae Variant Classification Sherloc (09022015). Collection method: clinical testing. Allele origin: germline.
Comment: In summary, the available evidence is currently insufficient to determine the role of this variant in disease. Therefore, it has been classified as a Variant of Uncertain Significance. Algorithms developed to predict the effect of sequence changes on RNA splicing suggest that this variant may create or strengthen a splice site. Advanced modeling of protein sequence and biophysical properties (such as structural, functional, and spatial information, amino acid conservation, physicochemical variation, residue mobility, and thermodynamic stability) performed at Invitae indicates that this missense variant is not expected to disrupt SZT2 protein function. ClinVar contains an entry for this variant (Variation ID: 1927958). This variant has not been reported in the literature in individuals affected with SZT2-related conditions. This variant is present in population databases (rs776473532, gnomAD 0.02%). This sequence change replaces alanine, which is neutral and non-polar, with valine, which is neutral and non-polar, at codon 2610 of the SZT2 protein (p.Ala2610Val).

NM_001365999.1(SZT2):c.8000C>T (p.Ala2667Val)

Gene: SZT2 (SZT2 subunit of KICSTOR complex; plus strand). Cytogenetic location: 1p34.2.
Variant type: single nucleotide variant.
Coding change: c.8000C>T on transcript NM_001365999.1 (MANE Select); coding-DNA position 8000, C replaced by T.
Protein change: p.Ala2667Val; replaces alanine 2667 with valine.
Molecular consequence: missense variant.
Genome position (GRCh38, 1-based): chr1:43,442,467, C>T. VCF-style: chr1-43442467-C-T. GRCh37 (hg19) VCF-style: chr1-43908138-C-T.
Other names: c.7829C>T, p.Ala2610Val (NM_015284.4); short protein forms A2667V, A2610V.
Identifiers: ClinVar variation 1927958 (VCV001927958.5), dbSNP rs776473532, ClinGen allele CA810427.